The following is an entry in ClinVar:

NM_001371727.1(GABRB2):c.1121C>T (p.Ser374Phe)

Gene: GABRB2 (gamma-aminobutyric acid type A receptor subunit beta2; minus strand). Cytogenetic location: 5q34.
Variant type: single nucleotide variant.
Coding change: c.1121C>T on transcript NM_001371727.1 (MANE Select); coding-DNA position 1121, C replaced by T.
Protein change: p.Ser374Phe; replaces serine 374 with phenylalanine.
Molecular consequence: missense variant. On other transcripts: intron variant (1).
Genome position (GRCh38, 1-based): chr5:161,326,438, G>A on the plus strand (C>T on the coding strand, the complement: GABRB2 is on the minus strand). VCF-style: chr5-161326438-G-A. GRCh37 (hg19) VCF-style: chr5-160753445-G-A.
Other names: c.1121C>T, p.Ser374Phe (NM_021911.3); c.1077+4445C>T (NM_000813.3); short protein forms S374F.
Identifiers: ClinVar variation 1488020 (VCV001488020.8), dbSNP rs775375467, ClinGen allele CA131019555.
Genomic context (GRCh38, chr5:161,326,438, plus strand): 5'-GAGAAATCGTAATTGGTAGTCCGTCTAGTTGGGGAGAGGTTTCCAGTAGGGTCCCACAAG[G>A]ATCGATATTGGGTCCCATTTTGTTTAATATCTTTATAAAAAATCTGGAAGACAAAGTAGA-3'
Protein context (NP_001358656.1, residues 364-384): DIKQNGTQYR[Ser374Phe]LWDPTGNLSP

ClinVar aggregate classification (germline): Uncertain significance (1 of 4 stars; one submission).

Conditions:
Intellectual disability. Also called: Intellectual functioning disability; Intellectual developmental disorder; intellectual disabilities. Identifiers: MedGen C3714756, MeSH D008607, MONDO:0001071, HP:0001249.

Submission:

Labcorp Genetics (formerly Invitae), Labcorp
Classification: Uncertain significance for Intellectual disability. Last evaluated: 2021-03-15. Review status: criteria provided, single submitter. Criteria: Invitae Variant Classification Sherloc (09022015). Collection method: clinical testing. Allele origin: germline.
Comment: In summary, the available evidence is currently insufficient to determine the role of this variant in disease. Therefore, it has been classified as a Variant of Uncertain Significance. Advanced modeling of protein sequence and biophysical properties (such as structural, functional, and spatial information, amino acid conservation, physicochemical variation, residue mobility, and thermodynamic stability) performed at Invitae indicates that this missense variant is not expected to disrupt GABRB2 protein function. This variant has not been reported in the literature in individuals with GABRB2-related conditions. This variant is not present in population databases (ExAC no frequency). This sequence change replaces serine with phenylalanine at codon 374 of the GABRB2 protein (p.Ser374Phe). The serine residue is weakly conserved and there is a large physicochemical difference between serine and phenylalanine.